The following is an entry in ClinVar:

NM_018367.7(ACER3):c.487A>G (p.Ile163Val)

Gene: ACER3 (alkaline ceramidase 3; plus strand). Cytogenetic location: 11q13.5.
Variant type: single nucleotide variant.
Coding change: c.487A>G on transcript NM_018367.7 (MANE Select); coding-DNA position 487, A replaced by G.
Protein change: p.Ile163Val; replaces isoleucine 163 with valine.
Molecular consequence: missense variant.
Genome position (GRCh38, 1-based): chr11:76,998,811, A>G. VCF-style: chr11-76998811-A-G. GRCh37 (hg19) VCF-style: chr11-76709855-A-G.
Other names: c.376A>G, p.Ile126Val (NM_001300953.2); c.202A>G, p.Ile68Val (NM_001300954.2, NM_001300955.2); short protein forms I126V, I163V, I68V.
Identifiers: ClinVar variation 2988014 (VCV002988014.3), dbSNP rs2495941408, ClinGen allele CA381927699.

ClinVar aggregate classification (germline): Uncertain significance (1 of 4 stars; one submission).

gnomAD v4.1: 4 of 1,594,864 alleles (0.00025%); highest among the groups gnomAD compares: East Asian, 0.0023%; no homozygotes.

Submission:

Labcorp Genetics (formerly Invitae), Labcorp
Classification: Uncertain significance. Last evaluated: 2024-10-17. Review status: criteria provided, single submitter. Criteria: Invitae Variant Classification Sherloc (09022015). Collection method: clinical testing. Allele origin: germline.
Comment: This sequence change replaces isoleucine, which is neutral and non-polar, with valine, which is neutral and non-polar, at codon 163 of the ACER3 protein (p.Ile163Val). This variant is not present in population databases (gnomAD no frequency). This variant has not been reported in the literature in individuals affected with ACER3-related conditions. Invitae Evidence Modeling of protein sequence and biophysical properties (such as structural, functional, and spatial information, amino acid conservation, physicochemical variation, residue mobility, and thermodynamic stability) indicates that this missense variant is not expected to disrupt ACER3 protein function with a negative predictive value of 80%. In summary, the available evidence is currently insufficient to determine the role of this variant in disease. Therefore, it has been classified as a Variant of Uncertain Significance.